The following is an entry in ClinVar:

NM_024301.5(FKRP):c.1060G>C (p.Gly354Arg)

Gene: FKRP (fukutin related protein; plus strand). Cytogenetic location: 19q13.32.
Variant type: single nucleotide variant.
Coding change: c.1060G>C on transcript NM_024301.5 (MANE Select); coding-DNA position 1060, G replaced by C.
Protein change: p.Gly354Arg; replaces glycine 354 with arginine.
Molecular consequence: missense variant.
Genome position (GRCh38, 1-based): chr19:46,756,510, G>C. VCF-style: chr19-46756510-G-C. GRCh37 (hg19) VCF-style: chr19-47259767-G-C.
Other names: c.1060G>C, p.Gly354Arg (NM_001039885.3); c.1060G>C (NM_024301.4); short protein forms G354R.
Identifiers: ClinVar variation 1436625 (VCV001436625.7), dbSNP rs565499116, ClinGen allele CA406496560.

ClinVar aggregate classification (germline): Uncertain significance. Review status: criteria provided, multiple submitters, no conflicts (2 of 4 stars). 2 submissions from 2 submitters: Uncertain significance (2). Last evaluated 2026-04-15.

Conditions:
Cardiovascular phenotype. Identifiers: MedGen CN230736.
Walker-Warburg congenital muscular dystrophy. Also called: Muscular dystrophy-dystroglycanopathy, type A; Walker-Warburg syndrome. Identifiers: Orphanet 899, MedGen C0265221, MONDO:0000171.

Submissions (2):

Ambry Genetics
Classification: Uncertain significance for Cardiovascular phenotype. Last evaluated: 2026-04-15. Review status: criteria provided, single submitter. Criteria: Ambry Variant Classification Scheme 2023. Collection method: clinical testing. Allele origin: germline.

Labcorp Genetics (formerly Invitae), Labcorp
Classification: Uncertain significance for Walker-Warburg congenital muscular dystrophy. Last evaluated: 2025-08-11. Review status: criteria provided, single submitter. Criteria: Invitae Variant Classification Sherloc (09022015). Collection method: clinical testing. Allele origin: germline.
Comment: This sequence change replaces glycine, which is neutral and non-polar, with arginine, which is basic and polar, at codon 354 of the FKRP protein (p.Gly354Arg). This variant is not present in population databases (gnomAD no frequency). This variant has not been reported in the literature in individuals affected with FKRP-related conditions. ClinVar contains an entry for this variant (Variation ID: 1436625). Invitae Evidence Modeling of protein sequence and biophysical properties (such as structural, functional, and spatial information, amino acid conservation, physicochemical variation, residue mobility, and thermodynamic stability) indicates that this missense variant is not expected to disrupt FKRP protein function with a negative predictive value of 80%. In summary, the available evidence is currently insufficient to determine the role of this variant in disease. Therefore, it has been classified as a Variant of Uncertain Significance.